The following is an entry in ClinVar:

ClinVar aggregate classification (germline): Uncertain significance (1 of 4 stars; one submission).

Allele frequency attached by ClinVar (database versions not stated): gnomAD exomes below 0.00001.
gnomAD v4.1: 2 of 1,183,369 alleles (0.00017%); highest among the groups gnomAD compares: Non-Finnish European, 0.00023%; no homozygotes.

Submission:

Greenwood Genetic Center Diagnostic Laboratories, Greenwood Genetic Center
Classification: Uncertain significance. Last evaluated: 2023-01-26. Review status: criteria provided, single submitter. Criteria: ACMG Guidelines, 2015. Collection method: clinical testing. Allele origin: germline. Affected: yes.
Comment: PM2

NM_021120.4(DLG3):c.1871-10C>T

Gene: DLG3 (discs large MAGUK scaffold protein 3; plus strand). Cytogenetic location: Xq13.1.
Variant type: single nucleotide variant.
Coding change: c.1871-10C>T on transcript NM_021120.4 (MANE Select); 10 bases into the intron before coding-DNA position 1871, C replaced by T.
Molecular consequence: intron variant.
Genome position (GRCh38, 1-based): chrX:70,499,166, C>T. VCF-style: chrX-70499166-C-T. GRCh37 (hg19) VCF-style: chrX-69719016-C-T.
Other names: c.956-10C>T (NM_020730.3); c.518-10C>T (NM_001166278.2).
Identifiers: ClinVar variation 2505246 (VCV002505246.1), dbSNP rs2087510424, ClinGen allele CA2436133823.